The following is an entry in ClinVar:

ClinVar aggregate classification (germline): Conflicting classifications of pathogenicity. Review status: criteria provided, conflicting classifications (1 of 4 stars). 2 submissions from 2 submitters: Uncertain significance (1); Likely benign (1). Last evaluated 2025-10-21.

Conditions:
Adams-Oliver syndrome 5 (AOS5). Identifiers: Orphanet 974, MedGen C4014970, MONDO:0014459, OMIM 616028.
Familial thoracic aortic aneurysm and aortic dissection (TAAD). Also called: Thoracic aortic aneurysms and dissections. Identifiers: Orphanet 91387, MedGen C4707243, MONDO:0019625.

Allele frequency attached by ClinVar (database versions not stated): TOPMed below 0.00001.
gnomAD v4.1: 14 of 1,592,936 alleles (0.00088%); highest among the groups gnomAD compares: South Asian, 0.012%; no homozygotes.

Submissions (2):

Labcorp Genetics (formerly Invitae), Labcorp
Classification: Likely benign for Adams-Oliver syndrome 5. Last evaluated: 2025-10-21. Review status: criteria provided, single submitter. Criteria: Invitae Variant Classification Sherloc (09022015). Collection method: clinical testing. Allele origin: germline.

Ambry Genetics
Classification: Uncertain significance for Familial thoracic aortic aneurysm and aortic dissection. Last evaluated: 2021-11-02. Review status: criteria provided, single submitter. Criteria: Ambry Variant Classification Scheme 2023. Collection method: clinical testing. Allele origin: germline.
Comment: The p.S2461N variant (also known as c.7382G>A), located in coding exon 34 of the NOTCH1 gene, results from a G to A substitution at nucleotide position 7382. The serine at codon 2461 is replaced by asparagine, an amino acid with highly similar properties. This amino acid position is poorly conserved in available vertebrate species. In addition, this alteration is predicted to be tolerated by in silico analysis. Since supporting evidence is limited at this time, the clinical significance of this alteration remains unclear.

NM_017617.5(NOTCH1):c.7382G>A (p.Ser2461Asn)

Gene: NOTCH1 (notch receptor 1; minus strand). Cytogenetic location: 9q34.3.
Variant type: single nucleotide variant.
Coding change: c.7382G>A on transcript NM_017617.5 (MANE Select); coding-DNA position 7382, G replaced by A.
Protein change: p.Ser2461Asn; replaces serine 2461 with asparagine.
Molecular consequence: missense variant.
Genome position (GRCh38, 1-based): chr9:136,496,357, C>T on the plus strand (G>A on the coding strand, the complement: NOTCH1 is on the minus strand). VCF-style: chr9-136496357-C-T. GRCh37 (hg19) VCF-style: chr9-139390809-C-T.
Other names: short protein forms S2461N.
Identifiers: ClinVar variation 1758621 (VCV001758621.3), dbSNP rs750245108, ClinGen allele CA5339684.